The following is an entry in ClinVar:

NM_001360016.2(G6PD):c.1347G>C (p.Gln449His)

Gene: G6PD (glucose-6-phosphate dehydrogenase; minus strand). Cytogenetic location: Xq28.
Variant type: single nucleotide variant.
Coding change: c.1347G>C on transcript NM_001360016.2 (MANE Select); coding-DNA position 1347, G replaced by C.
Protein change: p.Gln449His; replaces glutamine 449 with histidine.
Molecular consequence: missense variant.
Genome position (GRCh38, 1-based): chrX:154,532,403, C>G on the plus strand (G>C on the coding strand, the complement: G6PD is on the minus strand). VCF-style: chrX-154532403-C-G. GRCh37 (hg19) VCF-style: chrX-153760618-C-G.
Other names: G6PD Casano; G6PD Cassano; c.1437G>C, p.Gln479His (NM_000402.4); c.1347G>C, p.Gln449His (NM_001042351.3); short protein forms Q449H, Q479H.
Identifiers: ClinVar variation 958165 (VCV000958165.15), dbSNP rs1557229572, ClinGen allele CA415233656.

ClinVar aggregate classification (germline): Pathogenic/Likely pathogenic. Review status: criteria provided, multiple submitters, no conflicts (2 of 4 stars). 5 submissions from 5 submitters: Pathogenic (3); Likely pathogenic (2). Last evaluated 2024-03-23.

Conditions:
Anemia, nonspherocytic hemolytic, due to G6PD deficiency (CNSHA1). Also called: Hemolytic anemia due to G6PD deficiency; Favism, susceptibility to; Class I glucose-6-phosphate dehydrogenase deficiency; ANEMIA, CONGENITAL, NONSPHEROCYTIC HEMOLYTIC, 1. Identifiers: Orphanet 466026, MedGen C2720289, MONDO:0010480, OMIM 300908.
Malaria, susceptibility to. Identifiers: Orphanet 673, MedGen C1970028, MONDO:0021024, OMIM 611162.

Allele frequency attached by ClinVar (database versions not stated): gnomAD exomes 0.00002 and 0.00001.
gnomAD v4.1: 10 of 1,211,930 alleles (0.00083%); highest among the groups gnomAD compares: Non-Finnish European, 0.0011%; no homozygotes.

Submissions (5):

Baylor Genetics
Classification: Pathogenic for Malaria, susceptibility to. Last evaluated: 2024-03-23. Review status: criteria provided, single submitter. Criteria: ACMG Guidelines, 2015. Collection method: clinical testing. Allele origin: unknown.

ARUP Laboratories, Molecular Genetics and Genomics, ARUP Laboratories
Classification: Likely pathogenic. Last evaluated: 2024-01-30. Review status: criteria provided, single submitter. Criteria: ARUP Molecular Germline Variant Investigation Process 2024. Collection method: clinical testing. Allele origin: germline.
Comment: The G6PD c.1347G>C; p.Gln449His variant (rs1557229572), also known as G6PD Cassano, is reported in the literature in several individuals affected with G6PD deficiency (Alfinito 1997, Barisic 2005, Calabro 1993). This variant is also reported in ClinVar (Variation ID: 958165). This variant is only observed on one allele in the Genome Aggregation Database, indicating it is not a common polymorphism. Functional analyses of the variant protein show a reduction in enzyme activity and altered kinetics (Calabro 1993). Computational analyses predict that this variant is deleterious (REVEL: 0.836). Based on available information, this variant is considered to be likely pathogenic. References: Alfinito F et al. Molecular characterization of G6PD deficiency in Southern Italy: heterogeneity, correlation genotype-phenotype and description of a new variant (G6PD Neapolis). Br J Haematol. 1997 Jul. PMID: 9233561. Barisic M et al. Characterization of G6PD deficiency in southern Croatia: description of a new variant, G6PD Split. J Hum Genet. 2005 PMID: 16143877. Calabro V et al. Genetic heterogeneity of glucose-6-phosphate dehydrogenase deficiency revealed by single-strand conformation and sequence analysis. Am J Hum Genet. 1993 Mar. PMID: 8447319.

Department of Pathology and Laboratory Medicine, Sinai Health System
Classification: Pathogenic for Anemia, nonspherocytic hemolytic, due to G6PD deficiency. Last evaluated: 2023-02-01. Review status: criteria provided, single submitter. Criteria: ACMG Guidelines, 2015. Collection method: research. Allele origin: germline.

Labcorp Genetics (formerly Invitae), Labcorp
Classification: Pathogenic for Anemia, nonspherocytic hemolytic, due to G6PD deficiency. Last evaluated: 2022-11-23. Review status: criteria provided, single submitter. Criteria: Invitae Variant Classification Sherloc (09022015). Collection method: clinical testing. Allele origin: germline.
Comment: This missense change has been observed in individual(s) with glucose-6-phosphate dehydrogenase deficiency (PMID: 10782016). This variant is present in population databases (no rsID available, gnomAD 0.001%). This sequence change replaces glutamine, which is neutral and polar, with histidine, which is basic and polar, at codon 449 of the G6PD protein (p.Gln449His). ClinVar contains an entry for this variant (Variation ID: 958165). For these reasons, this variant has been classified as Pathogenic. Advanced modeling of protein sequence and biophysical properties (such as structural, functional, and spatial information, amino acid conservation, physicochemical variation, residue mobility, and thermodynamic stability) performed at Invitae indicates that this missense variant is expected to disrupt G6PD protein function.

Dunham Lab, University of Washington
Classification: Likely pathogenic for Anemia, nonspherocytic hemolytic, due to G6PD deficiency. Last evaluated: 2022-08-12. Review status: criteria provided, single submitter. Criteria: Bayesian ACMG Guidelines, 2018. Collection method: curation. Allele origin: unknown. Affected: yes.
Comment: Variant found in unrelated hemizygotes with G6PD deficiency, some with favism (PP4, PS4_M). Decreased activity in red blood cells (2-48%) (PS3). Below expected carrier frequency in gnomAD (PM2). Post_P 0.988 (odds of pathogenicity 729.3, Prior_P 0.1).

Literature cited by the submitters: PubMed 10782016 (cited by Labcorp Genetics (formerly Invitae), Labcorp and Dunham Lab, University of Washington); PubMed 8447319 (cited by Dunham Lab, University of Washington); PubMed 24134566 (cited by Dunham Lab, University of Washington); PubMed 9233561 (cited by Dunham Lab, University of Washington); PubMed 16143877 (cited by Dunham Lab, University of Washington).